The following is an entry in ClinVar:

NM_001382567.1(STIM1):c.1999C>A (p.Leu667Met)

Genes: STIM1 (stromal interaction molecule 1; plus strand), LOC124418421 (Sharpr-MPRA regulatory region 9588; plus strand). Cytogenetic location: 11p15.4.
Variant type: single nucleotide variant.
Coding change: c.1999C>A on transcript NM_001382567.1 (MANE Select); coding-DNA position 1999, C replaced by A.
Protein change: p.Leu667Met; replaces leucine 667 with methionine.
Molecular consequence: missense variant. On other transcripts: 3 prime UTR variant (4), non-coding transcript variant (3).
Genome position (GRCh38, 1-based): chr11:4,091,646, C>A. VCF-style: chr11-4091646-C-A. GRCh37 (hg19) VCF-style: chr11-4112876-C-A.
Other names: c.2224C>A, p.Leu742Met (NM_001277961.3); c.*320C>A (NM_001277962.2, NM_001382578.1, NM_001382579.1 and 1 more transcripts); c.2002C>A, p.Leu668Met (NM_001382566.1); c.1927C>A, p.Leu643Met (NM_001382568.1); c.1771C>A, p.Leu591Met (NM_001382569.1); c.1678C>A, p.Leu560Met (NM_001382570.1); c.1426C>A, p.Leu476Met (NM_001382571.1); c.1684C>A, p.Leu562Met (NM_001382575.1, NM_001382576.1, NM_001382577.1); and 2 more; short protein forms L562M, L636M, L668M, L560M, L742M, L473M, L476M, L643M.
Identifiers: ClinVar variation 1472835 (VCV001472835.8), dbSNP rs2094526007, ClinGen allele CA379197881.

ClinVar aggregate classification (germline): Uncertain significance (1 of 4 stars; one submission).

Conditions:
Combined immunodeficiency due to STIM1 deficiency. Also called: IMMUNODEFICIENCY 10; STIM1 DEFICIENCY. Identifiers: Orphanet 169090, Orphanet 317430, MedGen C2748557, MONDO:0013008, OMIM 612783.
Stormorken syndrome (STRMK). Also called: THROMBOCYTOPATHY, ASPLENIA, AND MIOSIS. Identifiers: Orphanet 3204, MedGen C1861451, MONDO:0008497, OMIM 185070.
Myopathy with tubular aggregates (TAM). Also called: Tubular Aggregate Myopathy. Identifiers: Orphanet 2593, MedGen C0410207, MONDO:0008051.

Submission:

Labcorp Genetics (formerly Invitae), Labcorp
Classification: Uncertain significance for Myopathy with tubular aggregates; Combined immunodeficiency due to STIM1 deficiency; Stormorken syndrome. Last evaluated: 2021-02-21. Review status: criteria provided, single submitter. Criteria: Invitae Variant Classification Sherloc (09022015). Collection method: clinical testing. Allele origin: germline.
Comment: Algorithms developed to predict the effect of missense changes on protein structure and function (SIFT, PolyPhen-2, Align-GVGD) all suggest that this variant is likely to be tolerated, but these predictions have not been confirmed by published functional studies and their clinical significance is uncertain. This sequence change replaces leucine with methionine at codon 636 of the STIM1 protein (p.Leu636Met). The leucine residue is weakly conserved and there is a small physicochemical difference between leucine and methionine. This variant is not present in population databases (ExAC no frequency). This variant has not been reported in the literature in individuals with STIM1-related conditions. In summary, the available evidence is currently insufficient to determine the role of this variant in disease. Therefore, it has been classified as a Variant of Uncertain Significance.